The following is an entry in ClinVar:

NM_002485.5(NBN):c.2137G>A (p.Ala713Thr)

Gene: NBN (nibrin; minus strand). Cytogenetic location: 8q21.3.
Variant type: single nucleotide variant.
Coding change: c.2137G>A on transcript NM_002485.5 (MANE Select); coding-DNA position 2137, G replaced by A.
Protein change: p.Ala713Thr; replaces alanine 713 with threonine.
Molecular consequence: missense variant.
Genome position (GRCh38, 1-based): chr8:89,943,300, C>T on the plus strand (G>A on the coding strand, the complement: NBN is on the minus strand). VCF-style: chr8-89943300-C-T. GRCh37 (hg19) VCF-style: chr8-90955528-C-T.
Other names: c.1891G>A, p.Ala631Thr (NM_001024688.3); short protein forms A713T, A631T.
Identifiers: ClinVar variation 483968 (VCV000483968.5), dbSNP rs1554555795, ClinGen allele CA371675491.

ClinVar aggregate classification (germline): Uncertain significance (1 of 4 stars; one submission).

Conditions:
Hereditary cancer-predisposing syndrome. Also called: Neoplastic Syndromes, Hereditary; Tumor predisposition; Hereditary Cancer Syndrome; Hereditary neoplastic syndrome. Identifiers: Orphanet 140162, MedGen C0027672, MeSH D009386, MONDO:0015356.

Submission:

Ambry Genetics
Classification: Uncertain significance for Hereditary cancer-predisposing syndrome. Last evaluated: 2016-07-28. Review status: criteria provided, single submitter. Criteria: Ambry Variant Classification Scheme 2023. Collection method: clinical testing. Allele origin: germline.
Comment: The p.A713T variant (also known as c.2137G>A), located in coding exon 14 of the NBN gene, results from a G to A substitution at nucleotide position 2137. The alanine at codon 713 is replaced by threonine, an amino acid with similar properties. This variant was not reported in population based cohorts in the following databases: Database of Single Nucleotide Polymorphisms (dbSNP), NHLBI Exome Sequencing Project (ESP), and 1000 Genomes Project. In the ESP, this variant was not observed in 6503 samples (13006 alleles) with coverage at this position. To date, this alteration has been detected with an allele frequency of approximately 0.001% (greater than 175000 alleles tested) in our clinical cohort. This amino acid position is well conserved in available vertebrate species. In addition, this alteration is predicted to be tolerated by in silico analysis. Since supporting evidence is limited at this time, the clinical significance of this alteration remains unclear.